The following is an entry in ClinVar:

ClinVar aggregate classification (germline): Uncertain significance (1 of 4 stars; one submission).

Submission:

GeneDx
Classification: Uncertain significance. Last evaluated: 2020-11-02. Review status: criteria provided, single submitter. Criteria: GeneDx Variant Classification Process June 2021. Collection method: clinical testing. Allele origin: germline. Affected: yes.
Comment: Not observed in large population cohorts (Lek et al., 2016); In silico analysis supports that this variant does not alter splicing; Has not been previously published as pathogenic or benign to our knowledge

NM_031844.3(HNRNPU):c.1018-13A>G

Gene: HNRNPU (heterogeneous nuclear ribonucleoprotein U; minus strand). Cytogenetic location: 1q44.
Variant type: single nucleotide variant.
Coding change: c.1018-13A>G on transcript NM_031844.3 (MANE Select); 13 bases into the intron before coding-DNA position 1018, A replaced by G.
Molecular consequence: intron variant.
Genome position (GRCh38, 1-based): chr1:244,859,387, T>C on the plus strand (A>G on the coding strand, the complement: HNRNPU is on the minus strand). VCF-style: chr1-244859387-T-C. GRCh37 (hg19) VCF-style: chr1-245022689-T-C.
Other names: c.961-13A>G (NM_004501.3).
Identifiers: ClinVar variation 1313450 (VCV001313450.2), dbSNP rs1680766348, ClinGen allele CA2573051546.